The following is an entry in ClinVar:

ClinVar aggregate classification (germline): Uncertain significance (1 of 4 stars; one submission).

Conditions:
Inborn genetic diseases. Identifiers: MedGen C0950123, MeSH D030342.

gnomAD v4.1: 1 of 1,613,912 alleles (0.000062%); highest among the groups gnomAD compares: Admixed American, 0.0017%; no homozygotes.

Submission:

Ambry Genetics
Classification: Uncertain significance for Inborn genetic diseases. Last evaluated: 2024-06-21. Review status: criteria provided, single submitter. Criteria: Ambry Variant Classification Scheme 2023. Collection method: clinical testing. Allele origin: germline.
Comment: The p.K754N variant (also known as c.2262G>C), located in coding exon 14 of the EPAS1 gene, results from a G to C substitution at nucleotide position 2262. The lysine at codon 754 is replaced by asparagine, an amino acid with similar properties. This amino acid position is conserved. In addition, this alteration is predicted to be tolerated by in silico analysis. Based on the available evidence, the clinical significance of this variant remains unclear.

NM_001430.5(EPAS1):c.2262G>C (p.Lys754Asn)

Gene: EPAS1 (endothelial PAS domain protein 1; plus strand). Cytogenetic location: 2p21.
Variant type: single nucleotide variant.
Coding change: c.2262G>C on transcript NM_001430.5 (MANE Select); coding-DNA position 2262, G replaced by C.
Protein change: p.Lys754Asn; replaces lysine 754 with asparagine.
Molecular consequence: missense variant.
Genome position (GRCh38, 1-based): chr2:46,382,064, G>C. VCF-style: chr2-46382064-G-C. GRCh37 (hg19) VCF-style: chr2-46609203-G-C.
Other names: short protein forms K754N.
Identifiers: ClinVar variation 3275743 (VCV003275743.1).